The following is an entry in ClinVar:

NM_015338.6(ASXL1):c.3360G>C (p.Lys1120Asn)

Gene: ASXL1 (ASXL transcriptional regulator 1; plus strand). Cytogenetic location: 20q11.21.
Variant type: single nucleotide variant.
Coding change: c.3360G>C on transcript NM_015338.6 (MANE Select); coding-DNA position 3360, G replaced by C.
Protein change: p.Lys1120Asn; replaces lysine 1120 with asparagine.
Molecular consequence: missense variant.
Genome position (GRCh38, 1-based): chr20:32,436,072, G>C. VCF-style: chr20-32436072-G-C. GRCh37 (hg19) VCF-style: chr20-31023875-G-C.
Other names: c.3177G>C, p.Lys1059Asn (NM_001363734.1); short protein forms K1059N, K1120N.
Identifiers: ClinVar variation 2879233 (VCV002879233.3), dbSNP rs886056602, ClinGen allele CA408562898.

ClinVar aggregate classification (germline): Uncertain significance (1 of 4 stars; one submission).

gnomAD v4.1: 1 of 1,614,178 alleles (0.000062%); highest among the groups gnomAD compares: Admixed American, 0.0017%; no homozygotes.

Submission:

Labcorp Genetics (formerly Invitae), Labcorp
Classification: Uncertain significance. Last evaluated: 2025-08-30. Review status: criteria provided, single submitter. Criteria: Invitae Variant Classification Sherloc (09022015). Collection method: clinical testing. Allele origin: germline.
Comment: This sequence change replaces lysine, which is basic and polar, with asparagine, which is neutral and polar, at codon 1120 of the ASXL1 protein (p.Lys1120Asn). This variant is not present in population databases (gnomAD no frequency). This variant has not been reported in the literature in individuals affected with ASXL1-related conditions. ClinVar contains an entry for this variant (Variation ID: 2879233). An algorithm developed to predict the effect of missense changes on protein structure and function (PolyPhen-2) suggests that this variant is likely to be tolerated. In summary, the available evidence is currently insufficient to determine the role of this variant in disease. Therefore, it has been classified as a Variant of Uncertain Significance.